The following is an entry in ClinVar:

NM_001278669.2(NFATC1):c.745G>A (p.Glu249Lys)

Gene: NFATC1 (nuclear factor of activated T cells 1; plus strand). Cytogenetic location: 18q23.
Variant type: single nucleotide variant.
Coding change: c.745G>A on transcript NM_001278669.2 (MANE Select); coding-DNA position 745, G replaced by A.
Protein change: p.Glu249Lys; replaces glutamic acid 249 with lysine.
Molecular consequence: missense variant. On other transcripts: intron variant (2).
Genome position (GRCh38, 1-based): chr18:79,411,020, G>A. VCF-style: chr18-79411020-G-A. GRCh37 (hg19) VCF-style: chr18-77171020-G-A.
Other names: c.745G>A, p.Glu249Lys (NM_001278670.2, NM_006162.5, NM_172390.3); c.706G>A, p.Glu236Lys (NM_001278672.2, NM_001278675.2, NM_172387.3 and 1 more transcripts); c.-191+14669G>A (NM_172388.3); c.-191+10541G>A (NM_001278673.2); short protein forms E249K, E236K.
Identifiers: ClinVar variation 3013833 (VCV003013833.3), dbSNP rs766008884, ClinGen allele CA9008914.

ClinVar aggregate classification (germline): Uncertain significance (1 of 4 stars; one submission).

Allele frequency attached by ClinVar (database versions not stated): gnomAD 0.00003; TOPMed 0.00005; ExAC 0.00022.

Submission:

Labcorp Genetics (formerly Invitae), Labcorp
Classification: Uncertain significance. Last evaluated: 2023-10-12. Review status: criteria provided, single submitter. Criteria: Invitae Variant Classification Sherloc (09022015). Collection method: clinical testing. Allele origin: germline.
Comment: This sequence change replaces glutamic acid, which is acidic and polar, with lysine, which is basic and polar, at codon 249 of the NFATC1 protein (p.Glu249Lys). This variant is present in population databases (rs766008884, gnomAD 0.1%), and has an allele count higher than expected for a pathogenic variant. This variant has not been reported in the literature in individuals affected with NFATC1-related conditions. An algorithm developed to predict the effect of missense changes on protein structure and function (PolyPhen-2) suggests that this variant is likely to be disruptive. In summary, the available evidence is currently insufficient to determine the role of this variant in disease. Therefore, it has been classified as a Variant of Uncertain Significance.